The following is an entry in ClinVar:

ClinVar aggregate classification (germline): Uncertain significance (1 of 4 stars; one submission).

Conditions:
Hereditary cancer-predisposing syndrome. Also called: Neoplastic Syndromes, Hereditary; Tumor predisposition; Hereditary Cancer Syndrome; Hereditary neoplastic syndrome. Identifiers: Orphanet 140162, MedGen C0027672, MeSH D009386, MONDO:0015356.

gnomAD v4.1: 1 of 1,614,228 alleles (0.000062%); highest among the groups gnomAD compares: South Asian, 0.0011%; no homozygotes.

Submission:

Ambry Genetics
Classification: Uncertain significance for Hereditary cancer-predisposing syndrome. Last evaluated: 2026-02-27. Review status: criteria provided, single submitter. Criteria: Ambry Variant Classification Scheme 2023. Collection method: clinical testing. Allele origin: germline.
Comment: The p.N546I variant (also known as c.1637A>T), located in coding exon 11 of the FLCN gene, results from an A to T substitution at nucleotide position 1637. The asparagine at codon 546 is replaced by isoleucine, an amino acid with dissimilar properties. This amino acid position is highly conserved in available vertebrate species. In addition, this alteration is predicted to be deleterious by in silico analysis. Based on the available evidence, the clinical significance of this variant remains unclear.

NM_144997.7(FLCN):c.1637A>T (p.Asn546Ile)

Gene: FLCN (folliculin; minus strand). Cytogenetic location: 17p11.2.
Variant type: single nucleotide variant.
Coding change: c.1637A>T on transcript NM_144997.7 (MANE Select); coding-DNA position 1637, A replaced by T.
Protein change: p.Asn546Ile; replaces asparagine 546 with isoleucine.
Molecular consequence: missense variant.
Genome position (GRCh38, 1-based): chr17:17,213,758, T>A on the plus strand (A>T on the coding strand, the complement: FLCN is on the minus strand). VCF-style: chr17-17213758-T-A. GRCh37 (hg19) VCF-style: chr17-17117072-T-A.
Other names: c.1691A>T, p.Asn564Ile (NM_001353229.2); c.1637A>T, p.Asn546Ile (NM_001353230.2, NM_001353231.2); short protein forms N564I, N546I.
Identifiers: ClinVar variation 4827033 (VCV004827033.1).